The following is an entry in ClinVar:

ClinVar aggregate classification (germline): Uncertain significance (1 of 4 stars; one submission).

Conditions:
Neurofibromatosis, type 2 (SWNV). Also called: NF2-Related Schwannomatosis; BILATERAL ACOUSTIC NEUROFIBROMATOSIS; SCHWANNOMATOSIS, VESTIBULAR. Identifiers: Orphanet 637, MedGen C0027832, MONDO:0007039, OMIM 101000. Disease mechanism: loss of function.

Submission:

Labcorp Genetics (formerly Invitae), Labcorp
Classification: Uncertain significance for Neurofibromatosis, type 2. Last evaluated: 2020-01-09. Review status: criteria provided, single submitter. Criteria: Invitae Variant Classification Sherloc (09022015). Collection method: clinical testing. Allele origin: germline.
Comment: In summary, the available evidence is currently insufficient to determine the role of this variant in disease. Therefore, it has been classified as a Variant of Uncertain Significance. Experimental studies and prediction algorithms are not available for this variant, and the functional significance of the duplicated amino acids is currently unknown. This variant has not been reported in the literature in individuals with NF2-related disease. This variant results in a copy number gain of the genomic region encompassing exon 16 of the NF2 gene. The 5' boundary is likely confined to intron 15. The 3' end of this event is unknown as it extends beyond the assayed region for this gene and therefore may encompass additional genes. As the precise location of this event is unknown, it may be in tandem or it may be located elsewhere in the genome.

NC_000022.10:g.(?_30090731)_(30090801_?)dup

Gene: NF2 (NF2, moesin-ezrin-radixin like (MERLIN) tumor suppressor; plus strand). Cytogenetic location: 22q12.2.
Variant type: Duplication.
Identifiers: ClinVar variation 583752 (VCV000583752.9).